The following is an entry in ClinVar:

ClinVar aggregate classification (germline): Uncertain significance (1 of 4 stars; one submission).

Allele frequency attached by ClinVar (database versions not stated): gnomAD exomes below 0.00001; TOPMed below 0.00001; gnomAD 0.00001.
gnomAD v4.1: 2 of 1,614,036 alleles (0.00012%); highest among the groups gnomAD compares: Non-Finnish European, 0.00017%; no homozygotes.

Submission:

Labcorp Genetics (formerly Invitae), Labcorp
Classification: Uncertain significance. Last evaluated: 2022-02-24. Review status: criteria provided, single submitter. Criteria: Invitae Variant Classification Sherloc (09022015). Collection method: clinical testing. Allele origin: germline.
Comment: This variant has not been reported in the literature in individuals affected with STAT4-related conditions. Algorithms developed to predict the effect of missense changes on protein structure and function are either unavailable or do not agree on the potential impact of this missense change (SIFT: "Deleterious"; PolyPhen-2: "Possibly Damaging"; Align-GVGD: "Class C0"). In summary, the available evidence is currently insufficient to determine the role of this variant in disease. Therefore, it has been classified as a Variant of Uncertain Significance. This sequence change replaces glycine, which is neutral and non-polar, with valine, which is neutral and non-polar, at codon 507 of the STAT4 protein (p.Gly507Val). This variant is not present in population databases (gnomAD no frequency).

NM_003151.4(STAT4):c.1520G>T (p.Gly507Val)

Gene: STAT4 (signal transducer and activator of transcription 4; minus strand). Cytogenetic location: 2q32.2.
Variant type: single nucleotide variant.
Coding change: c.1520G>T on transcript NM_003151.4 (MANE Select); coding-DNA position 1520, G replaced by T.
Protein change: p.Gly507Val; replaces glycine 507 with valine.
Molecular consequence: missense variant.
Genome position (GRCh38, 1-based): chr2:191,036,214, C>A on the plus strand (G>T on the coding strand, the complement: STAT4 is on the minus strand). VCF-style: chr2-191036214-C-A. GRCh37 (hg19) VCF-style: chr2-191900940-C-A.
Other names: c.1520G>T, p.Gly507Val (NM_001243835.2); short protein forms G507V.
Identifiers: ClinVar variation 2102190 (VCV002102190.4), dbSNP rs1192576162, ClinGen allele CA349909749.